The following is an entry in ClinVar:

ClinVar aggregate classification (germline): Uncertain significance (1 of 4 stars; one submission).

Conditions:
Familial cold autoinflammatory syndrome 3 (FCAS3). Also called: FAMILIAL ATYPICAL COLD URTICARIA; ANTIBODY DEFICIENCY AND IMMUNE DYSREGULATION, PLCG2-ASSOCIATED. Identifiers: Orphanet 300359, MedGen C3280914, MONDO:0013766, OMIM 614468.

Submission:

Labcorp Genetics (formerly Invitae), Labcorp
Classification: Uncertain significance for Familial cold autoinflammatory syndrome 3. Last evaluated: 2020-01-24. Review status: criteria provided, single submitter. Criteria: Invitae Variant Classification Sherloc (09022015). Collection method: clinical testing. Allele origin: germline.
Comment: This sequence change replaces methionine with leucine at codon 661 of the PLCG2 protein (p.Met661Leu). The methionine residue is highly conserved and there is a small physicochemical difference between methionine and leucine. This variant is not present in population databases (ExAC no frequency). This variant has not been reported in the literature in individuals with PLCG2-related disease. Algorithms developed to predict the effect of missense changes on protein structure and function (SIFT, PolyPhen-2, Align-GVGD) all suggest that this variant is likely to be tolerated, but these predictions have not been confirmed by published functional studies and their clinical significance is uncertain. In summary, the available evidence is currently insufficient to determine the role of this variant in disease. Therefore, it has been classified as a Variant of Uncertain Significance.

NM_002661.5(PLCG2):c.1981A>T (p.Met661Leu)

Gene: PLCG2 (phospholipase C gamma 2; plus strand). Cytogenetic location: 16q23.3.
Variant type: single nucleotide variant.
Coding change: c.1981A>T on transcript NM_002661.5 (MANE Select); coding-DNA position 1981, A replaced by T.
Protein change: p.Met661Leu; replaces methionine 661 with leucine.
Molecular consequence: missense variant.
Genome position (GRCh38, 1-based): chr16:81,912,643, A>T. VCF-style: chr16-81912643-A-T. GRCh37 (hg19) VCF-style: chr16-81946248-A-T.
Other names: short protein forms M661L.
Identifiers: ClinVar variation 664018 (VCV000664018.10), dbSNP rs778096311, ClinGen allele CA396901333.